The following is an entry in ClinVar:

NM_000264.5(PTCH1):c.*237G>C

Gene: PTCH1 (patched 1; minus strand). Cytogenetic location: 9q22.32.
Variant type: single nucleotide variant.
Coding change: c.*237G>C on transcript NM_000264.5 (MANE Select); 237 bases downstream of the stop codon, G replaced by C.
Molecular consequence: 3 prime UTR variant. On other transcripts: non-coding transcript variant (1).
Genome position (GRCh38, 1-based): chr9:95,446,156, C>G on the plus strand (G>C on the coding strand, the complement: PTCH1 is on the minus strand). VCF-style: chr9-95446156-C-G. GRCh37 (hg19) VCF-style: chr9-98208438-C-G.
Other names: c.*237G>C (NM_001083602.3, NM_001083603.3, NM_001083604.3 and 4 more transcripts).
Identifiers: ClinVar variation 367659 (VCV000367659.8), dbSNP rs28688501, ClinGen allele CA10634209.

ClinVar aggregate classification (germline): Benign. Review status: criteria provided, multiple submitters, no conflicts (2 of 4 stars). 4 submissions from 3 submitters: Benign (4). Last evaluated 2018-06-23.

Conditions:
Holoprosencephaly 7 (HPE7). Identifiers: Orphanet 2162, MedGen C1835820, MONDO:0012562, OMIM 610828.
Gorlin syndrome. Also called: Basal cell nevus syndrome; Nevoid Basal Cell Carcinoma Syndrome. Identifiers: Orphanet 377, MedGen C0004779, MONDO:0007187.

Allele frequency attached by ClinVar (database versions not stated): gnomAD 0.06249 and 0.06717; 1000 Genomes Project 0.06929; TOPMed 0.07193; 1000 Genomes Project 30x 0.07511.
gnomAD v4.1: 10,843 of 324,804 alleles (3.3%); highest among the groups gnomAD compares: African/African-American, 21%; 1,104 homozygotes.

Submissions (4):

GeneDx
Classification: Benign. Last evaluated: 2018-06-23. Review status: criteria provided, single submitter. Criteria: GeneDx Variant Classification Process June 2021. Collection method: clinical testing. Allele origin: germline. Affected: yes.

Illumina Laboratory Services, Illumina
Classification: Benign for Basal cell nevus syndrome 1. Last evaluated: 2018-01-12. Review status: criteria provided, single submitter. Criteria: ICSL Variant Classification Criteria 13 December 2019. Collection method: clinical testing. Allele origin: germline.
Comment: This variant was observed in the ICSL laboratory as part of a predisposition screen in an ostensibly healthy population. It had not been previously curated by ICSL or reported in the Human Gene Mutation Database (HGMD: prior to June 1st, 2018), and was therefore a candidate for classification through an automated scoring system. Utilizing variant allele frequency, disease prevalence and penetrance estimates, and inheritance mode, an automated score was calculated to assess if this variant is too frequent to cause the disease. Based on the score and internal cut-off values, a variant classified as benign is not then subjected to further curation. The score for this variant resulted in a classification of benign for this disease.

Illumina Laboratory Services, Illumina
Classification: Benign for Holoprosencephaly 7. Last evaluated: 2018-01-12. Review status: criteria provided, single submitter. Criteria: ICSL Variant Classification Criteria 13 December 2019. Collection method: clinical testing. Allele origin: germline.
Comment: the same text as in the submission from Illumina Laboratory Services, Illumina above.

Breakthrough Genomics
Classification: Benign. Review status: criteria provided, single submitter. Criteria: ACMG Guidelines, 2015. Collection method: not provided. Allele origin: germline. Inheritance: Autosomal dominant inheritance. Affected: yes.